The following is an entry in ClinVar:

NM_000334.4(SCN4A):c.3089A>G (p.His1030Arg)

Genes: GH-LCR (growth hormone locus control region; plus strand), SCN4A (sodium voltage-gated channel alpha subunit 4; minus strand). Cytogenetic location: 17q23.3.
Variant type: single nucleotide variant.
Coding change: c.3089A>G on transcript NM_000334.4 (MANE Select); coding-DNA position 3089, A replaced by G.
Protein change: p.His1030Arg; replaces histidine 1030 with arginine.
Molecular consequence: missense variant.
Genome position (GRCh38, 1-based): chr17:63,948,666, T>C on the plus strand (A>G on the coding strand, the complement: SCN4A is on the minus strand). VCF-style: chr17-63948666-T-C. GRCh37 (hg19) VCF-style: chr17-62026026-T-C.
Other names: short protein forms H1030R.
Identifiers: ClinVar variation 2800061 (VCV002800061.3), dbSNP rs2509295763, ClinGen allele CA400621621.

ClinVar aggregate classification (germline): Uncertain significance (1 of 4 stars; one submission).

Conditions:
Hyperkalemic periodic paralysis. Also called: Familial hyperkalemic periodic paralysis; Gamstorp disease. Identifiers: Orphanet 682, MedGen C0238357, MONDO:0008224, OMIM 170500, HP:0007215.

Submission:

Labcorp Genetics (formerly Invitae), Labcorp
Classification: Uncertain significance for Hyperkalemic periodic paralysis. Last evaluated: 2023-08-27. Review status: criteria provided, single submitter. Criteria: Invitae Variant Classification Sherloc (09022015). Collection method: clinical testing. Allele origin: germline.
Comment: This sequence change replaces histidine, which is basic and polar, with arginine, which is basic and polar, at codon 1030 of the SCN4A protein (p.His1030Arg). This variant is not present in population databases (gnomAD no frequency). This variant has not been reported in the literature in individuals affected with SCN4A-related conditions. Advanced modeling of protein sequence and biophysical properties (such as structural, functional, and spatial information, amino acid conservation, physicochemical variation, residue mobility, and thermodynamic stability) performed at Invitae indicates that this missense variant is expected to disrupt SCN4A protein function. In summary, the available evidence is currently insufficient to determine the role of this variant in disease. Therefore, it has been classified as a Variant of Uncertain Significance.